The following is an entry in ClinVar:

NM_199420.4(POLQ):c.4457G>A (p.Ser1486Asn)

Gene: POLQ (DNA polymerase theta; minus strand). Cytogenetic location: 3q13.33.
Variant type: single nucleotide variant.
Coding change: c.4457G>A on transcript NM_199420.4 (MANE Select); coding-DNA position 4457, G replaced by A.
Protein change: p.Ser1486Asn; replaces serine 1486 with asparagine.
Molecular consequence: missense variant.
Genome position (GRCh38, 1-based): chr3:121,488,474, C>T on the plus strand (G>A on the coding strand, the complement: POLQ is on the minus strand). VCF-style: chr3-121488474-C-T. GRCh37 (hg19) VCF-style: chr3-121207321-C-T.
Other names: short protein forms S1486N.
Identifiers: ClinVar variation 2497200 (VCV002497200.2), dbSNP rs199602116, ClinGen allele CA81835697.

ClinVar aggregate classification (germline): Uncertain significance (1 of 4 stars; one submission).

Allele frequency attached by ClinVar (database versions not stated): gnomAD exomes below 0.00001; TOPMed below 0.00001; gnomAD 0.00001; 1000 Genomes Project 30x 0.00016; 1000 Genomes Project 0.00020.
gnomAD v4.1: 3 of 1,608,852 alleles (0.00019%); highest among the groups gnomAD compares: East Asian, 0.0045%; no homozygotes.

Submission:

Ambry Genetics
Classification: Uncertain significance. Last evaluated: 2022-11-25. Review status: criteria provided, single submitter. Criteria: Ambry Variant Classification Scheme 2023. Collection method: clinical testing. Allele origin: germline.
Comment: The p.S1486N variant (also known as c.4457G>A), located in coding exon 16 of the POLQ gene, results from a G to A substitution at nucleotide position 4457. The serine at codon 1486 is replaced by asparagine, an amino acid with highly similar properties. This amino acid position is conserved. In addition, this alteration is predicted to be tolerated by in silico analysis. Since supporting evidence is limited at this time, the clinical significance of this alteration remains unclear.